The following is an entry in ClinVar:

NM_004168.4(SDHA):c.1590C>T (p.Ser530=)

Gene: SDHA (succinate dehydrogenase complex flavoprotein subunit A; plus strand). Cytogenetic location: 5p15.33.
Variant type: single nucleotide variant.
Coding change: c.1590C>T on transcript NM_004168.4 (MANE Select); coding-DNA position 1590, C replaced by T.
Protein change: p.Ser530=; no amino-acid change (serine 530 retained).
Molecular consequence: synonymous variant. On other transcripts: intron variant (1).
Genome position (GRCh38, 1-based): chr5:251,030, C>T. VCF-style: chr5-251030-C-T. GRCh37 (hg19) VCF-style: chr5-251145-C-T.
Other names: c.1446C>T, p.Ser482= (NM_001294332.2); c.1552-3363C>T (NM_001330758.2).
Identifiers: ClinVar variation 412327 (VCV000412327.25), dbSNP rs1060503701, ClinGen allele CA16611975.

ClinVar aggregate classification (germline): Benign/Likely benign. Review status: criteria provided, multiple submitters, no conflicts (2 of 4 stars). 3 submissions from 3 submitters: Benign (1); Likely benign (2). Last evaluated 2025-11-11.

Conditions:
Mitochondrial complex II deficiency, nuclear type 1. Also called: SUCCINATE CoQ REDUCTASE DEFICIENCY. Identifiers: Orphanet 3208, MedGen C5700310, MONDO:0100294, OMIM 252011.
Pheochromocytoma/paraganglioma syndrome 5. Also called: SDHA-Related Hereditary Paraganglioma-Pheochromocytoma Syndrome; Paragangliomas 5. Identifiers: Orphanet 29072, MedGen C3279992, MONDO:0013602, OMIM 614165.
Hereditary cancer-predisposing syndrome. Also called: Neoplastic Syndromes, Hereditary; Hereditary Cancer Syndrome; Tumor predisposition; Hereditary neoplastic syndrome. Identifiers: Orphanet 140162, MedGen C0027672, MeSH D009386, MONDO:0015356.

Allele frequency attached by ClinVar (database versions not stated): gnomAD 0.00001; gnomAD exomes 0.00001 and 0.00002; TOPMed 0.00001.
gnomAD v4.1: 14 of 1,611,846 alleles (0.00087%); highest among the groups gnomAD compares: South Asian, 0.0044%; no homozygotes.

Submissions (3):

Labcorp Genetics (formerly Invitae), Labcorp
Classification: Likely benign for Pheochromocytoma/paraganglioma syndrome 5; Mitochondrial complex II deficiency, nuclear type 1. Last evaluated: 2025-11-11. Review status: criteria provided, single submitter. Criteria: Invitae Variant Classification Sherloc (09022015). Collection method: clinical testing. Allele origin: germline.

Myriad Genetics, Inc.
Classification: Benign for Pheochromocytoma/paraganglioma syndrome 5. Last evaluated: 2025-03-10. Review status: criteria provided, single submitter. Criteria: Myriad Autosomal Dominant, Autosomal Recessive and X-Linked Classification Criteria (2023). Collection method: clinical testing. Allele origin: unknown.
Comment: This variant is considered benign. This variant is a silent/synonymous amino acid change and it is not expected to impact splicing.

Ambry Genetics
Classification: Likely benign for Hereditary cancer-predisposing syndrome. Last evaluated: 2018-06-29. Review status: criteria provided, single submitter. Criteria: Ambry Variant Classification Scheme 2023. Collection method: clinical testing. Allele origin: germline.